The following is an entry in ClinVar:

NM_001005242.3(PKP2):c.1090C>T (p.His364Tyr)

Gene: PKP2 (plakophilin 2; minus strand). Cytogenetic location: 12p11.21.
Variant type: single nucleotide variant.
Coding change: c.1090C>T on transcript NM_001005242.3 (MANE Select); coding-DNA position 1090, C replaced by T.
Protein change: p.His364Tyr; replaces histidine 364 with tyrosine.
Molecular consequence: missense variant.
Genome position (GRCh38, 1-based): chr12:32,869,007, G>A on the plus strand (C>T on the coding strand, the complement: PKP2 is on the minus strand). VCF-style: chr12-32869007-G-A. GRCh37 (hg19) VCF-style: chr12-33021941-G-A.
Other names: c.1090C>T, p.His364Tyr (NM_004572.4); short protein forms H364Y.
Identifiers: ClinVar variation 1419375 (VCV001419375.8), dbSNP rs2137919820, ClinGen allele CA384359578.

ClinVar aggregate classification (germline): Uncertain significance (1 of 4 stars; one submission).

Conditions:
Arrhythmogenic right ventricular dysplasia 9 (ARVD9). Also called: Arrhythmogenic Right Ventricular Dysplasia/Cardiomyopathy 9; ARRHYTHMOGENIC RIGHT VENTRICULAR DYSPLASIA, FAMILIAL, 9. Identifiers: MedGen C1836906, MONDO:0012180, OMIM 609040.

Allele frequency attached by ClinVar (database versions not stated): gnomAD exomes below 0.00001.

Submission:

Labcorp Genetics (formerly Invitae), Labcorp
Classification: Uncertain significance for Arrhythmogenic right ventricular dysplasia 9. Last evaluated: 2022-03-18. Review status: criteria provided, single submitter. Criteria: Invitae Variant Classification Sherloc (09022015). Collection method: clinical testing. Allele origin: germline.
Comment: This variant is not present in population databases (gnomAD no frequency). This variant has not been reported in the literature in individuals affected with PKP2-related conditions. Algorithms developed to predict the effect of missense changes on protein structure and function (SIFT, PolyPhen-2, Align-GVGD) all suggest that this variant is likely to be tolerated. In summary, the available evidence is currently insufficient to determine the role of this variant in disease. Therefore, it has been classified as a Variant of Uncertain Significance. This sequence change replaces histidine, which is basic and polar, with tyrosine, which is neutral and polar, at codon 364 of the PKP2 protein (p.His364Tyr).